The following is an entry in ClinVar:

ClinVar aggregate classification (germline): Uncertain significance (1 of 4 stars; one submission).

Submission:

Dasa
Classification: Uncertain significance. Last evaluated: 2026-01-22. Review status: criteria provided, single submitter. Criteria: DASA Assertion Criteria. Collection method: clinical testing. Allele origin: germline.
Comment: NM_001367484.1(GLIS1):c.1286G>A (p.Arg429Gln) is a missense variant that results in the substitution of arginine with glutamine. This variant is rare in population databases. Computational prediction algorithms are consistent with a deleterious effect. The currently available literature and clinical evidence are not sufficient to establish a definitive association between this variant and the reported condition. Therefore, this variant is classified as a variant of uncertain significance.

NM_001367484.1(GLIS1):c.1286G>A (p.Arg429Gln)

Gene: GLIS1 (GLIS family zinc finger 1; minus strand). Cytogenetic location: 1p32.3.
Variant type: single nucleotide variant.
Coding change: c.1286G>A on transcript NM_001367484.1 (MANE Select); coding-DNA position 1286, G replaced by A.
Protein change: p.Arg429Gln; replaces arginine 429 with glutamine.
Molecular consequence: missense variant.
Genome position (GRCh38, 1-based): chr1:53,594,142, C>T on the plus strand (G>A on the coding strand, the complement: GLIS1 is on the minus strand). VCF-style: chr1-53594142-C-T. GRCh37 (hg19) VCF-style: chr1-54059815-C-T.
Other names: c.1286G>A, p.Arg429Gln (NM_001390836.1, NM_001390837.1, NM_001390838.1); c.761G>A, p.Arg254Gln (NM_147193.4); short protein forms R254Q, R429Q.
Identifiers: ClinVar variation 4885154 (VCV004885154.2).